The following is an entry in ClinVar:

NM_000532.5(PCCB):c.1504G>A (p.Val502Met)

Gene: PCCB (propionyl-CoA carboxylase subunit beta; plus strand). Cytogenetic location: 3q22.3.
Variant type: single nucleotide variant.
Coding change: c.1504G>A on transcript NM_000532.5 (MANE Select); coding-DNA position 1504, G replaced by A.
Protein change: p.Val502Met; replaces valine 502 with methionine.
Molecular consequence: missense variant.
Genome position (GRCh38, 1-based): chr3:136,329,910, G>A. VCF-style: chr3-136329910-G-A. GRCh37 (hg19) VCF-style: chr3-136048752-G-A.
Other names: c.1564G>A, p.Val522Met (NM_001178014.2); short protein forms V502M, V522M.
Identifiers: ClinVar variation 1429533 (VCV001429533.5), dbSNP rs763024986, ClinGen allele CA2632228.

ClinVar aggregate classification (germline): Uncertain significance (1 of 4 stars; one submission).

Conditions:
Propionic acidemia (PROP). Also called: GLYCINEMIA, KETOTIC; HYPERGLYCINEMIA WITH KETOACIDOSIS AND LEUKOPENIA; KETOTIC HYPERGLYCINEMIA. Identifiers: Orphanet 35, MedGen C0268579, MONDO:0011628, OMIM 606054, HP:0003571.

Allele frequency attached by ClinVar (database versions not stated): ExAC 0.00001; gnomAD 0.00001; gnomAD exomes 0.00001; TOPMed 0.00001.
gnomAD v4.1: 12 of 1,614,024 alleles (0.00074%); highest among the groups gnomAD compares: African/African-American, 0.0013%; no homozygotes.

Submission:

Labcorp Genetics (formerly Invitae), Labcorp
Classification: Uncertain significance for Propionic acidemia. Last evaluated: 2021-08-25. Review status: criteria provided, single submitter. Criteria: Invitae Variant Classification Sherloc (09022015). Collection method: clinical testing. Allele origin: germline.
Comment: This sequence change replaces valine with methionine at codon 502 of the PCCB protein (p.Val502Met). The valine residue is highly conserved and there is a small physicochemical difference between valine and methionine. This variant is present in population databases (rs763024986, ExAC 0.001%). This variant has not been reported in the literature in individuals affected with PCCB-related conditions. Algorithms developed to predict the effect of missense changes on protein structure and function are either unavailable or do not agree on the potential impact of this missense change (SIFT: "Deleterious"; PolyPhen-2: "Possibly Damaging"; Align-GVGD: "Class C15"). In summary, the available evidence is currently insufficient to determine the role of this variant in disease. Therefore, it has been classified as a Variant of Uncertain Significance.